The following is an entry in ClinVar:

ClinVar aggregate classification (germline): Uncertain significance (1 of 4 stars; one submission).

Conditions:
Inborn genetic diseases. Identifiers: MedGen C0950123, MeSH D030342.

Submission:

Ambry Genetics
Classification: Uncertain significance for Inborn genetic diseases. Last evaluated: 2025-01-04. Review status: criteria provided, single submitter. Criteria: Ambry Variant Classification Scheme 2023. Collection method: clinical testing. Allele origin: germline.
Comment: The p.K3E variant (also known as c.7A>G), located in coding exon 1 of the RTEL1 gene, results from an A to G substitution at nucleotide position 7. The lysine at codon 3 is replaced by glutamic acid, an amino acid with similar properties. This amino acid position is conserved. In addition, this alteration is predicted to be tolerated by in silico analysis. Based on the available evidence, the clinical significance of this variant remains unclear.

NM_001283009.2(RTEL1):c.7A>G (p.Lys3Glu)

Genes: RTEL1 (regulator of telomere elongation helicase 1; plus strand), RTEL1-TNFRSF6B (RTEL1-TNFRSF6B readthrough (NMD candidate); plus strand). Cytogenetic location: 20q13.33.
Variant type: single nucleotide variant.
Coding change: c.7A>G on transcript NM_001283009.2 (MANE Select); coding-DNA position 7, A replaced by G.
Protein change: p.Lys3Glu; replaces lysine 3 with glutamic acid.
Molecular consequence: missense variant. On other transcripts: non-coding transcript variant (1), intron variant (1).
Genome position (GRCh38, 1-based): chr20:63,659,409, A>G. VCF-style: chr20-63659409-A-G. GRCh37 (hg19) VCF-style: chr20-62290762-A-G.
Other names: c.7A>G, p.Lys3Glu (NM_016434.4, NM_032957.5); c.-568+950A>G (NM_001283010.1); short protein forms K3E.
Identifiers: ClinVar variation 3791023 (VCV003791023.1).